The following is an entry in ClinVar:

ClinVar aggregate classification (germline): Uncertain significance (1 of 4 stars; one submission).

Conditions:
Hereditary cancer-predisposing syndrome. Also called: Neoplastic Syndromes, Hereditary; Tumor predisposition; Hereditary neoplastic syndrome; Hereditary Cancer Syndrome. Identifiers: Orphanet 140162, MedGen C0027672, MeSH D009386, MONDO:0015356.

Submission:

Ambry Genetics
Classification: Uncertain significance for Hereditary cancer-predisposing syndrome. Last evaluated: 2025-02-20. Review status: criteria provided, single submitter. Criteria: Ambry Variant Classification Scheme 2023. Collection method: clinical testing. Allele origin: germline.
Comment: The c.546+2T>C intronic variant results from a T to C substitution two nucleotides after coding exon 4 in the POT1 gene. In silico splice site analysis predicts that this alteration will weaken the native splice donor site. Alterations that disrupt the canonical splice site are expected to cause aberrant splicing, resulting in an abnormal protein or a transcript that is subject to nonsense-mediated mRNA decay; however, +2T>C alterations are capable of generating wild-type transcripts in some genomic contexts and should be interpreted with caution (Lin JH et al. Hum Mutat. 2019 10;40:1856-1873). Since supporting evidence is limited at this time, the clinical significance of this alteration remains unclear.

NM_015450.3(POT1):c.546+2T>C

Gene: POT1 (protection of telomeres 1; minus strand). Cytogenetic location: 7q31.33.
Variant type: single nucleotide variant.
Coding change: c.546+2T>C on transcript NM_015450.3 (MANE Select); the canonical splice donor site of the intron after coding-DNA position 546, T replaced by C.
Molecular consequence: splice donor variant.
Genome position (GRCh38, 1-based): chr7:124,863,348, A>G on the plus strand (T>C on the coding strand, the complement: POT1 is on the minus strand). VCF-style: chr7-124863348-A-G. GRCh37 (hg19) VCF-style: chr7-124503402-A-G.
Other names: c.153+2T>C (NM_001042594.2).
Identifiers: ClinVar variation 2450534 (VCV002450534.3), dbSNP rs2485479240, ClinGen allele CA369058531.